The following is an entry in ClinVar:

NM_000277.3(PAH):c.800A>G (p.Gln267Arg)

Gene: PAH (phenylalanine hydroxylase; minus strand). Cytogenetic location: 12q23.2.
Variant type: single nucleotide variant.
Coding change: c.800A>G on transcript NM_000277.3 (MANE Select); coding-DNA position 800, A replaced by G.
Protein change: p.Gln267Arg; replaces glutamine 267 with arginine.
Molecular consequence: missense variant.
Genome position (GRCh38, 1-based): chr12:102,852,857, T>C on the plus strand (A>G on the coding strand, the complement: PAH is on the minus strand). VCF-style: chr12-102852857-T-C. GRCh37 (hg19) VCF-style: chr12-103246635-T-C.
Other names: c.800A>G, p.Gln267Arg (NM_001354304.2); short protein forms Q267R.
Identifiers: ClinVar variation 556296 (VCV000556296.6), dbSNP rs778154939, ClinGen allele CA16020862.

ClinVar aggregate classification (germline): Pathogenic. Review status: reviewed by expert panel (3 of 4 stars). 3 submissions from 3 submitters: Pathogenic (1). 2 of the submissions do not count toward it. Last evaluated 2018-12-10.

Conditions:
Phenylketonuria (PKU). Also called: OLIGOPHRENIA PHENYLPYRUVICA; Phenylketonurias; FOLLING DISEASE; Phenylketonuria (PKU). Identifiers: Orphanet 716, MedGen C0031485, MONDO:0009861, OMIM 261600. Disease mechanism: loss of function.

Submissions (3):

ClinGen PAH Variant Curation Expert Panel
Classification: Pathogenic for Phenylketonuria. Last evaluated: 2018-12-10. Review status: reviewed by expert panel. Criteria: ClinGen PAH ACMG Specifications v1. Collection method: curation. Allele origin: germline. Inheritance: Autosomal recessive inheritance.
Comment: The c.800A>G (p.Gln267Arg) variant in PAH has been reported in 1 individual with Classic PKU (BH4 deficiency excluded) and was detected with G257V which is pathogenic per the ClinGen PAH VCEP (PP4_Moderate, PM3; PMID: 24401910). This variant is absent in population databases (PM2). This variant has 1.1% enzyme activity (PS3; PMID: 24401910). Computational prediction tools and conservation analysis suggest that this variant may impact the protein (PP3). In summary, this variant meets criteria to be classified as pathogenic for PAH. PAH-specific ACMG/AMP criteria applied: PP4_Moderate, PS3, PM2, PM3, PP3.

Juno Genomics, Hangzhou Juno Genomics, Inc
Classification: Pathogenic for Phenylketonuria. Review status: criteria provided, single submitter. Criteria: ACMG Guidelines, 2015. Collection method: clinical testing. Allele origin: germline. Affected: yes. Not counted in ClinVar's aggregate classification.
Comment: Absent from controls (or at extremely low frequency if recessive) in Genome Aggregation Database, Exome Sequencing Project, 1000 Genomes Project, or Exome Aggregation Consortium.;Novel missense change at an amino acid residue where a different missense change determined to be pathogenic has been seen before.;Well-established in vitro or in vivo functional studies supportive of a damaging effect on the gene or gene product.;For recessive disorders, detected in trans with a pathogenic variant.;Patient's phenotype or family history is highly specific for a disease with a single genetic etiology.

Counsyl
Classification: Uncertain significance for Phenylketonuria. Last evaluated: 2018-01-26. Review status: no assertion criteria provided. Collection method: clinical testing. Allele origin: unknown. Not counted in ClinVar's aggregate classification.

Literature cited by the submitters: PubMed 24401910 (cited by ClinGen PAH Variant Curation Expert Panel and Counsyl).